The following is an entry in ClinVar:

NM_020971.3(SPTBN4):c.4600C>T (p.Arg1534Trp)

Gene: SPTBN4 (spectrin beta, non-erythrocytic 4; plus strand). Cytogenetic location: 19q13.2.
Variant type: single nucleotide variant.
Coding change: c.4600C>T on transcript NM_020971.3 (MANE Select); coding-DNA position 4600, C replaced by T.
Protein change: p.Arg1534Trp; replaces arginine 1534 with tryptophan.
Molecular consequence: missense variant.
Genome position (GRCh38, 1-based): chr19:40,550,253, C>T. VCF-style: chr19-40550253-C-T. GRCh37 (hg19) VCF-style: chr19-41056159-C-T.
Other names: c.628C>T, p.Arg210Trp (NM_025213.3); short protein forms R210W, R1534W.
Identifiers: ClinVar variation 2516898 (VCV002516898.4), dbSNP rs369789904, ClinGen allele CA9446261.

ClinVar aggregate classification (germline): Uncertain significance. Review status: criteria provided, multiple submitters, no conflicts (2 of 4 stars). 3 submissions from 3 submitters: Uncertain significance (2). 1 of the submissions does not count toward it. Last evaluated 2024-11-15.

Conditions:
Inborn genetic diseases. Identifiers: MedGen C0950123, MeSH D030342.
SPTBN4-related disorder. Also called: SPTBN4-related condition.

Allele frequency attached by ClinVar (database versions not stated): ExAC 0.00001; gnomAD 0.00001; gnomAD exomes 0.00002.
gnomAD v4.1: 36 of 1,613,098 alleles (0.0022%); highest among the groups gnomAD compares: Non-Finnish European, 0.0026%; no homozygotes.

Submissions (3):

Blueprint Genetics
Classification: Uncertain significance. Last evaluated: 2024-11-15. Review status: criteria provided, single submitter. Criteria: ACMG Guidelines, 2015. Collection method: clinical testing. Allele origin: germline.

Ambry Genetics
Classification: Uncertain significance for Inborn genetic diseases. Last evaluated: 2023-04-26. Review status: criteria provided, single submitter. Criteria: Ambry Variant Classification Scheme 2023. Collection method: clinical testing. Allele origin: germline.

PreventionGenetics, part of Exact Sciences
Classification: Uncertain significance for SPTBN4-related condition. Last evaluated: 2024-09-26. Review status: no assertion criteria provided. Collection method: clinical testing. Allele origin: germline. Not counted in ClinVar's aggregate classification.
Comment: The SPTBN4 c.4600C>T variant is predicted to result in the amino acid substitution p.Arg1534Trp. To our knowledge, this variant has not been reported in the literature. This variant is reported in 0.0033% of alleles in individuals of South Asian descent in gnomAD. At this time, the clinical significance of this variant is uncertain due to the absence of conclusive functional and genetic evidence.